The following is an entry in ClinVar:

NM_020937.4(FANCM):c.5443G>A (p.Gly1815Arg)

Gene: FANCM (FA complementation group M; plus strand). Cytogenetic location: 14q21.2.
Variant type: single nucleotide variant.
Coding change: c.5443G>A on transcript NM_020937.4 (MANE Select); coding-DNA position 5443, G replaced by A.
Protein change: p.Gly1815Arg; replaces glycine 1815 with arginine.
Molecular consequence: missense variant.
Genome position (GRCh38, 1-based): chr14:45,196,274, G>A. VCF-style: chr14-45196274-G-A. GRCh37 (hg19) VCF-style: chr14-45665477-G-A.
Other names: c.5443G>A (NM_020937.2); c.5365G>A, p.Gly1789Arg (NM_001308133.2); short protein forms G1789R, G1815R.
Identifiers: ClinVar variation 1053116 (VCV001053116.8), dbSNP rs766516817, ClinGen allele CA7170008.

ClinVar aggregate classification (germline): Uncertain significance. Review status: criteria provided, multiple submitters, no conflicts (2 of 4 stars). 2 submissions from 2 submitters: Uncertain significance (2). Last evaluated 2025-07-12.

Conditions:
Fanconi anemia (FA). Also called: Fanconi's anemia. Identifiers: Orphanet 84, MedGen C0015625, MeSH D005199, MONDO:0019391.
Inborn genetic diseases. Identifiers: MedGen C0950123, MeSH D030342.

Allele frequency attached by ClinVar (database versions not stated): gnomAD exomes below 0.00001; ExAC 0.00001.

Submissions (2):

Ambry Genetics
Classification: Uncertain significance for Inborn genetic diseases. Last evaluated: 2025-07-12. Review status: criteria provided, single submitter. Criteria: Ambry Variant Classification Scheme 2023. Collection method: clinical testing. Allele origin: germline.
Comment: The p.G1815R variant (also known as c.5443G>A), located in coding exon 21 of the FANCM gene, results from a G to A substitution at nucleotide position 5443. The glycine at codon 1815 is replaced by arginine, an amino acid with dissimilar properties. This amino acid position is conserved. In addition, this alteration is predicted to be tolerated by in silico analysis. Based on the available evidence, the clinical significance of this variant remains unclear.

Labcorp Genetics (formerly Invitae), Labcorp
Classification: Uncertain significance for Fanconi anemia. Last evaluated: 2020-05-20. Review status: criteria provided, single submitter. Criteria: Invitae Variant Classification Sherloc (09022015). Collection method: clinical testing. Allele origin: germline.
Comment: In summary, the available evidence is currently insufficient to determine the role of this variant in disease. Therefore, it has been classified as a Variant of Uncertain Significance. Algorithms developed to predict the effect of missense changes on protein structure and function output the following: SIFT: "Tolerated"; PolyPhen-2: "Benign"; Align-GVGD: "Class C0". The arginine amino acid residue is found in multiple mammalian species, suggesting that this missense change does not adversely affect protein function. These predictions have not been confirmed by published functional studies and their clinical significance is uncertain. This variant has not been reported in the literature in individuals with FANCM-related conditions. The frequency data for this variant in the population databases is considered unreliable, as metrics indicate poor data quality at this position in the ExAC database. This sequence change replaces glycine with arginine at codon 1815 of the FANCM protein (p.Gly1815Arg). The glycine residue is weakly conserved and there is a moderate physicochemical difference between glycine and arginine.